The following is an entry in ClinVar:

NM_001130438.3(SPTAN1):c.5378G>C (p.Gly1793Ala)

Gene: SPTAN1 (spectrin alpha, non-erythrocytic 1; plus strand). Cytogenetic location: 9q34.11.
Variant type: single nucleotide variant.
Coding change: c.5378G>C on transcript NM_001130438.3 (MANE Select); coding-DNA position 5378, G replaced by C.
Protein change: p.Gly1793Ala; replaces glycine 1793 with alanine.
Molecular consequence: missense variant.
Genome position (GRCh38, 1-based): chr9:128,617,660, G>C. VCF-style: chr9-128617660-G-C. GRCh37 (hg19) VCF-style: chr9-131379939-G-C.
Other names: c.5303G>C, p.Gly1768Ala (NM_001195532.2); c.5378G>C, p.Gly1793Ala (NM_001363759.2, NM_001375310.1, NM_001375311.2 and 1 more transcripts); c.5318G>C, p.Gly1773Ala (NM_001363765.2, NM_001375314.2); c.5414G>C, p.Gly1805Ala (NM_001375312.2, NM_001375318.1); c.5363G>C, p.Gly1788Ala (NM_003127.4); short protein forms G1805A, G1788A, G1793A, G1768A, G1773A.
Identifiers: ClinVar variation 3635921 (VCV003635921.2).
Genomic context (GRCh38, chr9:128,617,660, plus strand): 5'-GTGCAGAGACTGACTGTGCTGTTTCCCATCTCTCATTCAGGGAGAAGAAGCTGCTGGTGG[G>C]CTCAGAGGACTACGGCCGGGACCTAACCGGCGTGCAGAACCTGAGGAAGAAGCACAAGCG-3'
Protein context (NP_001123910.1, residues 1783-1803): SWIKEKKLLV[Gly1793Ala]SEDYGRDLTG

ClinVar aggregate classification (germline): Uncertain significance (1 of 4 stars; one submission).

Conditions:
Early-infantile DEE. Also called: Early infantile epileptic encephalopathy; Ohtahara syndrome; Early infantile epileptic encephalopathy with suppression bursts. Identifiers: Orphanet 1934, MedGen C0393706, MONDO:0800491.

Submission:

Labcorp Genetics (formerly Invitae), Labcorp
Classification: Uncertain significance for Early-infantile DEE. Last evaluated: 2024-02-22. Review status: criteria provided, single submitter. Criteria: Invitae Variant Classification Sherloc (09022015). Collection method: clinical testing. Allele origin: germline.
Comment: This sequence change replaces glycine, which is neutral and non-polar, with alanine, which is neutral and non-polar, at codon 1793 of the SPTAN1 protein (p.Gly1793Ala). This variant is not present in population databases (gnomAD no frequency). This variant has not been reported in the literature in individuals affected with SPTAN1-related conditions. Advanced modeling of protein sequence and biophysical properties (such as structural, functional, and spatial information, amino acid conservation, physicochemical variation, residue mobility, and thermodynamic stability) has been performed at Invitae for this missense variant, however the output from this modeling did not meet the statistical confidence thresholds required to predict the impact of this variant on SPTAN1 protein function. In summary, the available evidence is currently insufficient to determine the role of this variant in disease. Therefore, it has been classified as a Variant of Uncertain Significance.